The following is an entry in ClinVar:

ClinVar aggregate classification (germline): Pathogenic (1 of 4 stars; one submission).

Conditions:
Hereditary cancer-predisposing syndrome. Also called: Hereditary Cancer Syndrome; Hereditary neoplastic syndrome; Tumor predisposition; Neoplastic Syndromes, Hereditary. Identifiers: Orphanet 140162, MedGen C0027672, MeSH D009386, MONDO:0015356.

Submission:

Ambry Genetics
Classification: Pathogenic for Hereditary cancer-predisposing syndrome. Last evaluated: 2020-05-18. Review status: criteria provided, single submitter. Criteria: Ambry Variant Classification Scheme 2023. Collection method: clinical testing. Allele origin: germline.
Comment: The p.Y78* pathogenic mutation (also known as c.234C>A), located in coding exon 1 of the PHOX2B gene, results from a C to A substitution at nucleotide position 234. This changes the amino acid from a tyrosine to a stop codon within coding exon 1. A different nucleotide substitution (c.234C>G), also resulting in in p.Y78*, has been detected two siblings with Hirschsprung disease and respiratory issues; one sibling had several episodes of desaturations while the second sibling was diagnosed with central apnea. Their mother did not have Hirschsprung disease, but reported episodes of possible apneic episodes during sleep and awakening feeling breathless (Lombardo RC et al. Am. J. Med. Genet. A, 2017 Jun;173:1705-1709). This mutation has also been detected in an additional individual with hypopnea, intermittent desaturations, abnormal sleep study, and additional findings (Katwa U. Am. J. Med. Genet. A. 2018 07;176(7):1627-1631). In addition to the clinical data presented in the literature, this alteration is expected to result in loss of function by premature protein truncation or nonsense-mediated mRNA decay. As such, this alteration is interpreted as a disease-causing mutation.

Literature cited by the submitters: PubMed 28422456; PubMed 29543228; PubMed 29704303.

NM_003924.4(PHOX2B):c.234C>A (p.Tyr78Ter)

Genes: PHOX2B-AS1 (PHOX2B antisense RNA 1; plus strand), PHOX2B (paired like homeobox 2B; minus strand). Cytogenetic location: 4p13.
Variant type: single nucleotide variant.
Coding change: c.234C>A on transcript NM_003924.4 (MANE Select); coding-DNA position 234, C replaced by A.
Protein change: p.Tyr78Ter; replaces tyrosine 78 with a stop codon.
Molecular consequence: nonsense.
Genome position (GRCh38, 1-based): chr4:41,748,377, G>T on the plus strand (C>A on the coding strand, the complement: PHOX2B is on the minus strand). VCF-style: chr4-41748377-G-T. GRCh37 (hg19) VCF-style: chr4-41750394-G-T.
Other names: short protein forms Y78*.
Identifiers: ClinVar variation 1789966 (VCV001789966.2), dbSNP rs73810366, ClinGen allele CA356740761.